The following is an entry in ClinVar:

ClinVar aggregate classification (germline): Pathogenic. Review status: criteria provided, multiple submitters, no conflicts (2 of 4 stars). 2 submissions from 2 submitters: Pathogenic (2). Last evaluated 2026-02-19.

Conditions:
Junctional epidermolysis bullosa. Identifiers: Orphanet 305, MedGen C0079301, MONDO:0017612.

Submissions (2):

Myriad Genetics, Inc.
Classification: Pathogenic for Junctional epidermolysis bullosa. Last evaluated: 2026-02-19. Review status: criteria provided, single submitter. Criteria: Myriad Autosomal Dominant, Autosomal Recessive and X-Linked Classification Criteria (2023). Collection method: clinical testing. Allele origin: unknown.
Comment: NM_000228.2(LAMB3):c.3239_3240delGA(R1080Nfs*7) is a frameshift variant classified as pathogenic in the context of junctional epidermolysis bullosa, LAMB3-related. R1080Nfs*7 has not been observed in cases with relevant disease. Relevant functional assessments of this variant are not available in the literature. R1080Nfs*7 has not been observed in referenced population frequency databases. In summary, NM_000228.2(LAMB3):c.3239_3240delGA(R1080Nfs*7) is a frameshift variant in a gene where loss of function is a known mechanism of disease and is predicted to disrupt protein function. Please note: this variant was assessed in the context of healthy population screening.

Labcorp Genetics (formerly Invitae), Labcorp
Classification: Pathogenic. Last evaluated: 2021-11-04. Review status: criteria provided, single submitter. Criteria: Invitae Variant Classification Sherloc (09022015). Collection method: clinical testing. Allele origin: germline.
Comment: For these reasons, this variant has been classified as Pathogenic. This sequence change creates a premature translational stop signal (p.Arg1080Asnfs*7) in the LAMB3 gene. It is expected to result in an absent or disrupted protein product. Loss-of-function variants in LAMB3 are known to be pathogenic (PMID: 11023379, 16473856). This variant is not present in population databases (gnomAD no frequency). This variant has not been reported in the literature in individuals affected with LAMB3-related conditions.

Literature cited by the submitters: PubMed 11023379 (cited by Labcorp Genetics (formerly Invitae), Labcorp); PubMed 16473856 (cited by Labcorp Genetics (formerly Invitae), Labcorp).

NM_000228.3(LAMB3):c.3239_3240del (p.Arg1080fs)

Gene: LAMB3 (laminin subunit beta 3; minus strand). Cytogenetic location: 1q32.2.
Variant type: Microsatellite.
Coding change: c.3239_3240del on transcript NM_000228.3 (MANE Select); coding-DNA positions 3239 to 3240, 2 bases deleted (GA; older notation c.3239_3240delGA).
Protein change: p.Arg1080fs; shifts the reading frame from arginine 1080.
Molecular consequence: frameshift variant.
Genome position (GRCh38, 1-based): chr1:209,616,613-209,616,614, TC deleted on the plus strand (GA on the coding strand, the reverse complement: LAMB3 is on the minus strand); deleting any 2 consecutive bases within chr1:209,616,613-209,616,618 gives the same sequence; the c. name uses the placement nearest the transcript's 3' end. VCF-style (leftmost placement, unchanged base first): chr1-209616612-TTC-T. GRCh37 (hg19) VCF-style: chr1-209789957-TTC-T.
Other names: c.3239_3240del, p.Arg1080fs (NM_001017402.2, NM_001127641.1); short protein forms R1080fs.
Identifiers: ClinVar variation 1364854 (VCV001364854.7), dbSNP rs985107396, ClinGen allele CA36745233.